The following is an entry in ClinVar:

NM_004380.3(CREBBP):c.5667dup (p.Pro1890fs)

Gene: CREBBP (CREB binding protein; minus strand). Cytogenetic location: 16p13.3.
Variant type: Duplication.
Coding change: c.5667dup on transcript NM_004380.3 (MANE Select); coding-DNA position 5667, one base duplicated (G; older notation c.5667dupG).
Protein change: p.Pro1890fs; shifts the reading frame from proline 1890.
Molecular consequence: frameshift variant.
Genome position (GRCh38, 1-based): chr16:3,729,380, C duplicated on the plus strand (G on the coding strand, the reverse complement: CREBBP is on the minus strand). VCF-style (leftmost placement, unchanged base first): chr16-3729379-G-GC. GRCh37 (hg19) VCF-style: chr16-3779380-G-GC.
Other names: c.5553dup, p.Pro1852fs (NM_001079846.1); c.5667dupG (NM_004380.2); short protein forms P1852fs, P1890fs.
Identifiers: ClinVar variation 524148 (VCV000524148.3), dbSNP rs1555471336, ClinGen allele CA658798523.

ClinVar aggregate classification (germline): Pathogenic (1 of 4 stars; one submission).

Submission:

GeneDx
Classification: Pathogenic. Last evaluated: 2019-06-19. Review status: criteria provided, single submitter. Criteria: GeneDx Variant Classification Process June 2021. Collection method: clinical testing. Allele origin: germline. Affected: yes.
Comment: Not observed in large population cohorts (Lek et al., 2016)